The following is an entry in ClinVar:

NM_017635.5(KMT5B):c.2176_2177delinsC (p.Ser726fs)

Gene: KMT5B (lysine methyltransferase 5B; minus strand). Cytogenetic location: 11q13.2.
Variant type: Indel.
Coding change: c.2176_2177delinsC on transcript NM_017635.5 (MANE Select); coding-DNA positions 2176 to 2177, AG replaced by C.
Protein change: p.Ser726fs; shifts the reading frame from serine 726.
Molecular consequence: frameshift variant.
Genome position (GRCh38, 1-based): chr11:68,158,169-68,158,170, CT replaced by G on the plus strand (AG replaced by C on the coding strand, the reverse complement: KMT5B is on the minus strand). VCF-style: chr11-68158169-CT-G. GRCh37 (hg19) VCF-style: chr11-67925636-CT-G.
Other names: c.1660_1661delinsC, p.Ser554fs (NM_001300907.1, NM_001369428.1, NM_001369429.1 and 4 more transcripts); c.1456_1457delinsC, p.Ser486fs (NM_001300908.2); c.2176_2177delinsC, p.Ser726fs (NM_001369426.1); short protein forms S486fs, S554fs, S726fs.
Identifiers: ClinVar variation 2573668 (VCV002573668.1), dbSNP rs2496187525, ClinGen allele CA2580615744.

ClinVar aggregate classification (germline): Pathogenic (1 of 4 stars; one submission).

Submission:

GeneDx
Classification: Pathogenic. Last evaluated: 2023-06-02. Review status: criteria provided, single submitter. Criteria: GeneDx Variant Classification Process June 2021. Collection method: clinical testing. Allele origin: germline. Affected: yes.
Comment: Frameshift variant predicted to result in protein truncation, as the last 160 amino acids are replaced with 12 different amino acids, and other loss-of-function variants have been reported downstream in HGMD; Not observed at significant frequency in large population cohorts (gnomAD); This variant is associated with the following publications: (PMID: 36897941, 33144682)